The following is an entry in ClinVar:

NM_004706.4(ARHGEF1):c.1894G>A (p.Asp632Asn)

Gene: ARHGEF1 (Rho guanine nucleotide exchange factor 1; plus strand). Cytogenetic location: 19q13.2.
Variant type: single nucleotide variant.
Coding change: c.1894G>A on transcript NM_004706.4 (MANE Select); coding-DNA position 1894, G replaced by A.
Protein change: p.Asp632Asn; replaces aspartic acid 632 with asparagine.
Molecular consequence: missense variant. On other transcripts: non-coding transcript variant (2).
Genome position (GRCh38, 1-based): chr19:41,903,761, G>A. VCF-style: chr19-41903761-G-A. GRCh37 (hg19) VCF-style: chr19-42407913-G-A.
Other names: c.2062G>A, p.Asp688Asn (NM_001396000.1); c.1795G>A, p.Asp599Asn (NM_001396002.1, NM_001396004.1, NM_198977.2); c.1894G>A, p.Asp632Asn (NM_001396003.1, NM_001396006.1); c.1939G>A, p.Asp647Asn (NM_199002.2); short protein forms D647N, D688N, D599N, D632N.
Identifiers: ClinVar variation 2871943 (VCV002871943.3), dbSNP rs1555849523, ClinGen allele CA406064068.

ClinVar aggregate classification (germline): Uncertain significance (1 of 4 stars; one submission).

Allele frequency attached by ClinVar (database versions not stated): gnomAD exomes below 0.00001; gnomAD 0.00001; TOPMed 0.00001.
gnomAD v4.1: 3 of 1,612,910 alleles (0.00019%); highest among the groups gnomAD compares: East Asian, 0.0022%; no homozygotes.

Submission:

Labcorp Genetics (formerly Invitae), Labcorp
Classification: Uncertain significance. Last evaluated: 2023-08-24. Review status: criteria provided, single submitter. Criteria: Invitae Variant Classification Sherloc (09022015). Collection method: clinical testing. Allele origin: germline.
Comment: In summary, the available evidence is currently insufficient to determine the role of this variant in disease. Therefore, it has been classified as a Variant of Uncertain Significance. Algorithms developed to predict the effect of missense changes on protein structure and function output the following: SIFT: "Not Available"; PolyPhen-2: "Possibly Damaging"; Align-GVGD: "Not Available". The asparagine amino acid residue is found in multiple mammalian species, which suggests that this missense change does not adversely affect protein function. This variant has not been reported in the literature in individuals affected with ARHGEF1-related conditions. This variant is present in population databases (no rsID available, gnomAD 0.003%). This sequence change replaces aspartic acid, which is acidic and polar, with asparagine, which is neutral and polar, at codon 647 of the ARHGEF1 protein (p.Asp647Asn).